The following is an entry in ClinVar:

ClinVar aggregate classification (germline): Benign. Review status: criteria provided, multiple submitters, no conflicts (2 of 4 stars). 3 submissions from 3 submitters: Benign (2). 1 of the submissions does not count toward it. Last evaluated 2020-10-28.

Conditions:
Acute myeloblastic leukemia with maturation. Also called: Acute myeloid leukemia with maturation. Identifiers: Orphanet 98834, MedGen C1879321, MONDO:0020320.

Allele frequency attached by ClinVar (database versions not stated): gnomAD 0.73974 and 0.74501; TOPMed 0.75017; 1000 Genomes Project 30x 0.81605; 1000 Genomes Project 0.82009; gnomAD exomes 1.00000.

Submissions (3):

H3Africa Consortium
Classification: Benign. Last evaluated: 2020-10-28. Review status: criteria provided, single submitter. Criteria: Choudhury A et al. (Nature 2020). Collection method: research. Allele origin: germline. Study: H3Africa.
Comment: While the frequency of the alternate allele in gnoMAD v2.0.2 is 0.917, its frequency in African populations is >5%. This suggests that previous classifications of this variant as pathogenic are in error.

Breakthrough Genomics
Classification: Benign. Review status: criteria provided, single submitter. Criteria: ACMG Guidelines, 2015. Collection method: not provided. Allele origin: germline. Inheritance: Unknown mechanism. Affected: yes.

Fujian Institute of Hematology, Fujian Medical University
Classification: Pathogenic for Acute myeloblastic leukemia with maturation. Review status: no assertion criteria provided. Collection method: case-control. Allele origin: germline. Affected: yes. Not counted in ClinVar's aggregate classification.
Comment: This variant contributes to development of AML-M2

Literature cited by the submitters: PubMed 29254171 (cited by Fujian Institute of Hematology, Fujian Medical University).

NC_000001.11:g.198900385T>C

Gene: MIR181A1HG (MIR181A1 host gene; minus strand). Cytogenetic location: 1q32.1.
Variant type: single nucleotide variant.
Genome position: GRCh38 VCF-style: chr1-198900385-T-C. GRCh37 (hg19) VCF-style: chr1-198869514-T-C.
Identifiers: ClinVar variation 427756 (VCV000427756.4), dbSNP rs10800598, ClinGen allele CA10854753.